The following is an entry in ClinVar:

ClinVar aggregate classification (germline): Pathogenic/Likely pathogenic. Review status: criteria provided, multiple submitters, no conflicts (2 of 4 stars). 6 submissions from 6 submitters: Pathogenic (4); Likely pathogenic (2). Last evaluated 2025-12-17.

Conditions:
Hereditary nonpolyposis colorectal neoplasms. Identifiers: MedGen C0009405, MeSH D003123.
Lynch syndrome 5 (LYNCH5). Also called: Colorectal cancer, hereditary nonpolyposis, type 5; Hereditary non-polyposis colorectal cancer, type 5. Identifiers: Orphanet 144, MedGen C1833477, MONDO:0013710, OMIM 614350. Disease mechanism: loss of function.
Hereditary cancer-predisposing syndrome. Also called: Neoplastic Syndromes, Hereditary; Tumor predisposition; Hereditary neoplastic syndrome; Hereditary Cancer Syndrome. Identifiers: Orphanet 140162, MedGen C0027672, MeSH D009386, MONDO:0015356.

Allele frequency attached by ClinVar (database versions not stated): gnomAD exomes below 0.00001.

Submissions (6):

Ambry Genetics
Classification: Pathogenic for Hereditary cancer-predisposing syndrome. Last evaluated: 2025-12-17. Review status: criteria provided, single submitter. Criteria: Ambry Variant Classification Scheme 2023. Collection method: clinical testing. Allele origin: germline.
Comment: The c.423delC pathogenic mutation, located in coding exon 2 of the MSH6 gene, results from a deletion of one nucleotide at nucleotide position 423, causing a translational frameshift with a predicted alternate stop codon (p.W142Gfs*7). This variant is considered to be rare based on population cohorts in the Genome Aggregation Database (gnomAD). This alteration is expected to result in loss of function by premature protein truncation or nonsense-mediated mRNA decay. As such, this alteration is interpreted as a disease-causing mutation.

Labcorp Genetics (formerly Invitae), Labcorp
Classification: Pathogenic for Hereditary nonpolyposis colorectal neoplasms. Last evaluated: 2025-04-23. Review status: criteria provided, single submitter. Criteria: Invitae Variant Classification Sherloc (09022015). Collection method: clinical testing. Allele origin: germline.
Comment: This sequence change creates a premature translational stop signal (p.Trp142Glyfs*7) in the MSH6 gene. It is expected to result in an absent or disrupted protein product. Loss-of-function variants in MSH6 are known to be pathogenic (PMID: 18269114, 24362816). This variant is not present in population databases (gnomAD no frequency). This variant has not been reported in the literature in individuals affected with MSH6-related conditions. ClinVar contains an entry for this variant (Variation ID: 428343). For these reasons, this variant has been classified as Pathogenic.

Institute for Genomic Medicine (IGM) Clinical Laboratory, Nationwide Children's Hospital
Classification: Likely pathogenic for Hereditary cancer-predisposing syndrome. Last evaluated: 2024-04-11. Review status: criteria provided, single submitter. Criteria: ACMG Guidelines, 2015. Collection method: clinical testing. Allele origin: germline.
Comment: This variant is predicted to result in loss of function through nonsense-mediated decay of the encoded transcript or premature truncation of the encoded protein in a gene in which loss of function is a known mechanism of disease (ACMG/AMP: PVS1). This variant is absent from or present at an exceedingly low frequency in gnomAD, a large-scale control population database (ACMG/AMP: PM2).

Myriad Genetics, Inc.
Classification: Pathogenic for Lynch syndrome 5. Last evaluated: 2023-08-10. Review status: criteria provided, single submitter. Criteria: Myriad Autosomal Dominant, Autosomal Recessive and X-Linked Classification Criteria (2023). Collection method: clinical testing. Allele origin: unknown.
Comment: This variant is considered pathogenic. This variant creates a frameshift predicted to result in premature protein truncation.

Revvity Omics, Revvity
Classification: Likely pathogenic. Last evaluated: 2022-02-16. Review status: criteria provided, single submitter. Criteria: ACMG Guidelines, 2015. Collection method: clinical testing. Allele origin: germline.

Quest Diagnostics Nichols Institute San Juan Capistrano
Classification: Pathogenic. Last evaluated: 2018-01-12. Review status: criteria provided, single submitter. Criteria: Quest Diagnostics criteria. Collection method: clinical testing. Allele origin: germline.

Literature cited by the submitters: PubMed 18269114 (cited by Labcorp Genetics (formerly Invitae), Labcorp); PubMed 24362816 (cited by Labcorp Genetics (formerly Invitae), Labcorp).

NM_000179.3(MSH6):c.423del (p.Trp142fs)

Gene: MSH6 (mutS homolog 6; plus strand). Cytogenetic location: 2p16.3.
Variant type: Deletion.
Coding change: c.423del on transcript NM_000179.3 (MANE Select); coding-DNA position 423, one base deleted (C; older notation c.423delC).
Protein change: p.Trp142fs; shifts the reading frame from tryptophan 142.
Molecular consequence: frameshift variant. On other transcripts: 5 prime UTR variant (2), intron variant (1).
Genome position (GRCh38, 1-based): chr2:47,791,089, C deleted. VCF-style (leftmost placement, unchanged base first): chr2-47791088-GC-G. GRCh37 (hg19) VCF-style: chr2-48018227-GC-G.
Other names: c.-314del (NM_001281493.2); c.-480del (NM_001281494.2); c.238-7522del (NM_001281492.2); c.423delC (NM_000179.2).
Identifiers: ClinVar variation 428343 (VCV000428343.19), dbSNP rs1114167728, ClinGen allele CA645369260.